The following is an entry in ClinVar:

NM_003238.6(TGFB2):c.803A>C (p.Lys268Thr)

Gene: TGFB2 (transforming growth factor beta 2; plus strand). Cytogenetic location: 1q41.
Variant type: single nucleotide variant.
Coding change: c.803A>C on transcript NM_003238.6 (MANE Select); coding-DNA position 803, A replaced by C.
Protein change: p.Lys268Thr; replaces lysine 268 with threonine.
Molecular consequence: missense variant.
Genome position (GRCh38, 1-based): chr1:218,436,018, A>C. VCF-style: chr1-218436018-A-C. GRCh37 (hg19) VCF-style: chr1-218609360-A-C.
Other names: c.887A>C, p.Lys296Thr (NM_001135599.4); short protein forms K268T, K296T.
Identifiers: ClinVar variation 3646487 (VCV003646487.2).

ClinVar aggregate classification (germline): Uncertain significance (1 of 4 stars; one submission).

Conditions:
Loeys-Dietz syndrome 4 (LDS4). Also called: ANEURYSM, AORTIC AND CEREBRAL, WITH ARTERIAL TORTUOSITY AND SKELETAL MANIFESTATIONS; TGFB2-Related Loeys-Dietz Syndrome. Identifiers: MedGen C3553762, MONDO:0013897, OMIM 614816.

Submission:

Labcorp Genetics (formerly Invitae), Labcorp
Classification: Uncertain significance for Loeys-Dietz syndrome 4. Last evaluated: 2024-03-17. Review status: criteria provided, single submitter. Criteria: Invitae Variant Classification Sherloc (09022015). Collection method: clinical testing. Allele origin: germline.
Comment: This sequence change replaces lysine, which is basic and polar, with threonine, which is neutral and polar, at codon 268 of the TGFB2 protein (p.Lys268Thr). This variant is not present in population databases (gnomAD no frequency). This variant has not been reported in the literature in individuals affected with TGFB2-related conditions. Advanced modeling of protein sequence and biophysical properties (such as structural, functional, and spatial information, amino acid conservation, physicochemical variation, residue mobility, and thermodynamic stability) performed at Invitae indicates that this missense variant is not expected to disrupt TGFB2 protein function with a negative predictive value of 80%. In summary, the available evidence is currently insufficient to determine the role of this variant in disease. Therefore, it has been classified as a Variant of Uncertain Significance.